The following is an entry in ClinVar:

NM_001330078.2(NRXN1):c.2418T>A (p.Asp806Glu)

Gene: NRXN1 (neurexin 1; minus strand). Cytogenetic location: 2p16.3.
Variant type: single nucleotide variant.
Coding change: c.2418T>A on transcript NM_001330078.2 (MANE Select); coding-DNA position 2418, T replaced by A.
Protein change: p.Asp806Glu; replaces aspartic acid 806 with glutamic acid.
Molecular consequence: missense variant.
Genome position (GRCh38, 1-based): chr2:50,506,574, A>T on the plus strand (T>A on the coding strand, the complement: NRXN1 is on the minus strand). VCF-style: chr2-50506574-A-T. GRCh37 (hg19) VCF-style: chr2-50733712-A-T.
Other names: c.2538T>A, p.Asp846Glu (NM_001135659.3); c.2394T>A, p.Asp798Glu (NM_001330077.2, NM_001330082.2); c.2352T>A, p.Asp784Glu (NM_001330083.2, NM_001330084.2); c.2391T>A, p.Asp797Glu (NM_001330085.2); c.2418T>A, p.Asp806Glu (NM_001330086.2, NM_004801.6); c.2307T>A, p.Asp769Glu (NM_001330087.2, NM_001330096.2); c.2337T>A, p.Asp779Glu (NM_001330088.2); c.2415T>A, p.Asp805Glu (NM_001330093.2); and 2 more; short protein forms D779E, D797E, D798E, D769E, D784E, D789E, D846E, D802E.
Identifiers: ClinVar variation 3663956 (VCV003663956.2).

ClinVar aggregate classification (germline): Uncertain significance (1 of 4 stars; one submission).

Conditions:
Pitt-Hopkins-like syndrome 2 (PTHSL2). Identifiers: Orphanet 221150, Orphanet 600663, MedGen C3280479, MONDO:0013690, OMIM 614325.

Submission:

Labcorp Genetics (formerly Invitae), Labcorp
Classification: Uncertain significance for Pitt-Hopkins-like syndrome 2. Last evaluated: 2024-09-21. Review status: criteria provided, single submitter. Criteria: Invitae Variant Classification Sherloc (09022015). Collection method: clinical testing. Allele origin: germline.
Comment: This sequence change replaces aspartic acid, which is acidic and polar, with glutamic acid, which is acidic and polar, at codon 846 of the NRXN1 protein (p.Asp846Glu). This variant is not present in population databases (gnomAD no frequency). This variant has not been reported in the literature in individuals affected with NRXN1-related conditions. An algorithm developed to predict the effect of missense changes on protein structure and function (PolyPhen-2) suggests that this variant is likely to be disruptive. In summary, the available evidence is currently insufficient to determine the role of this variant in disease. Therefore, it has been classified as a Variant of Uncertain Significance.